The following is an entry in ClinVar:

ClinVar aggregate classification (germline): Uncertain significance (1 of 4 stars; one submission).

Conditions:
Tumoral calcinosis, hyperphosphatemic, familial, 3. Identifiers: MedGen C4693864, MONDO:0060715, OMIM 617994.

gnomAD v4.1: 3 of 1,612,576 alleles (0.00019%); highest among the groups gnomAD compares: Admixed American, 0.0033%; no homozygotes.

Submission:

Rare Kidney Stone Consortium and the Mayo Clinic Hyperoxaluria Center, Mayo Clinic
Classification: Uncertain significance for Tumoral calcinosis, hyperphosphatemic, familial, 3. Last evaluated: 2025-10-03. Review status: criteria provided, single submitter. Criteria: ACMG Guidelines, 2015. Collection method: research. Allele origin: germline. Observed: 1 variant allele.
Comment: ACMG:PM2, PP3

Literature cited by the submitters: PubMed 40794449.

NM_004795.4(KL):c.1895C>T (p.Thr632Ile)

Gene: KL (klotho; plus strand). Cytogenetic location: 13q13.1.
Variant type: single nucleotide variant.
Coding change: c.1895C>T on transcript NM_004795.4 (MANE Select); coding-DNA position 1895, C replaced by T.
Protein change: p.Thr632Ile; replaces threonine 632 with isoleucine.
Molecular consequence: missense variant.
Genome position (GRCh38, 1-based): chr13:33,060,974, C>T. VCF-style: chr13-33060974-C-T. GRCh37 (hg19) VCF-style: chr13-33635111-C-T.
Other names: short protein forms T632I.
Identifiers: ClinVar variation 4526799 (VCV004526799.1).